The following is an entry in ClinVar:

ClinVar aggregate classification (germline): Uncertain significance (1 of 4 stars; one submission).

Conditions:
Argininosuccinate lyase deficiency. Also called: Argininosuccinic aciduria; ARGININOSUCCINIC ACID LYASE DEFICIENCY; ASL DEFICIENCY. Identifiers: Orphanet 23, MedGen C0268547, MONDO:0008815, OMIM 207900, HP:0025630.

Allele frequency attached by ClinVar (database versions not stated): ExAC 0.00001; gnomAD 0.00001; gnomAD exomes 0.00001 and 0.00002; TOPMed 0.00001.
gnomAD v4.1: 6 of 1,613,952 alleles (0.00037%); highest among the groups gnomAD compares: Admixed American, 0.01%; no homozygotes.

Submission:

Labcorp Genetics (formerly Invitae), Labcorp
Classification: Uncertain significance for Argininosuccinate lyase deficiency. Last evaluated: 2022-02-10. Review status: criteria provided, single submitter. Criteria: Invitae Variant Classification Sherloc (09022015). Collection method: clinical testing. Allele origin: germline.
Comment: This sequence change replaces phenylalanine, which is neutral and non-polar, with tyrosine, which is neutral and polar, at codon 238 of the ASL protein (p.Phe238Tyr). This variant is present in population databases (rs754283030, gnomAD 0.01%). This variant has not been reported in the literature in individuals affected with ASL-related conditions. Advanced modeling of protein sequence and biophysical properties (such as structural, functional, and spatial information, amino acid conservation, physicochemical variation, residue mobility, and thermodynamic stability) performed at Invitae indicates that this missense variant is expected to disrupt ASL protein function. In summary, the available evidence is currently insufficient to determine the role of this variant in disease. Therefore, it has been classified as a Variant of Uncertain Significance.

NM_000048.4(ASL):c.713T>A (p.Phe238Tyr)

Gene: ASL (argininosuccinate lyase; plus strand). Cytogenetic location: 7q11.21.
Variant type: single nucleotide variant.
Coding change: c.713T>A on transcript NM_000048.4 (MANE Select); coding-DNA position 713, T replaced by A.
Protein change: p.Phe238Tyr; replaces phenylalanine 238 with tyrosine.
Molecular consequence: missense variant.
Genome position (GRCh38, 1-based): chr7:66,087,786, T>A. VCF-style: chr7-66087786-T-A. GRCh37 (hg19) VCF-style: chr7-65552773-T-A.
Other names: c.713T>A, p.Phe238Tyr (NM_001024943.2, NM_001024944.2); c.635T>A, p.Phe212Tyr (NM_001024946.2); short protein forms F212Y, F238Y.
Identifiers: ClinVar variation 1427839 (VCV001427839.5), dbSNP rs754283030, ClinGen allele CA4277102.